The following is an entry in ClinVar:

NM_022089.4(ATP13A2):c.955G>C (p.Val319Leu)

Gene: ATP13A2 (ATPase cation transporting 13A2; minus strand). Cytogenetic location: 1p36.13.
Variant type: single nucleotide variant.
Coding change: c.955G>C on transcript NM_022089.4 (MANE Select); coding-DNA position 955, G replaced by C.
Protein change: p.Val319Leu; replaces valine 319 with leucine.
Molecular consequence: missense variant.
Genome position (GRCh38, 1-based): chr1:17,000,095, C>G on the plus strand (G>C on the coding strand, the complement: ATP13A2 is on the minus strand). VCF-style: chr1-17000095-C-G. GRCh37 (hg19) VCF-style: chr1-17326590-C-G.
Other names: c.940G>C, p.Val314Leu (NM_001141973.3, NM_001141974.3); short protein forms V319L, V314L.
Identifiers: ClinVar variation 862331 (VCV000862331.2), dbSNP rs1557702165, ClinGen allele CA338257049.

ClinVar aggregate classification (germline): Uncertain significance (1 of 4 stars; one submission).

Conditions:
Kufor-Rakeb syndrome (KRS). Also called: PARKINSON DISEASE 9, AUTOSOMAL RECESSIVE, JUVENILE-ONSET. Identifiers: Orphanet 306674, Orphanet 314632, MedGen C1847640, MONDO:0011706, OMIM 606693.
Autosomal recessive spastic paraplegia type 78. Identifiers: Orphanet 513436, MedGen C5567893, MONDO:0014975, OMIM 617225.

Submission:

Labcorp Genetics (formerly Invitae), Labcorp
Classification: Uncertain significance for Kufor-Rakeb syndrome; Autosomal recessive spastic paraplegia type 78. Last evaluated: 2020-02-21. Review status: criteria provided, single submitter. Criteria: Invitae Variant Classification Sherloc (09022015). Collection method: clinical testing. Allele origin: germline.
Comment: This sequence change replaces valine with leucine at codon 319 of the ATP13A2 protein (p.Val319Leu). The valine residue is weakly conserved and there is a small physicochemical difference between valine and leucine. This variant is not present in population databases (ExAC no frequency). This variant has not been reported in the literature in individuals with ATP13A2-related conditions. Algorithms developed to predict the effect of missense changes on protein structure and function output the following: SIFT: Tolerated; PolyPhen-2: Benign; Align-GVGD: Class C0. The leucine amino acid residue is found in multiple mammalian species, suggesting that this missense change does not adversely affect protein function. These predictions have not been confirmed by published functional studies and their clinical significance is uncertain. In summary, the available evidence is currently insufficient to determine the role of this variant in disease. Therefore, it has been classified as a Variant of Uncertain Significance.